The following is an entry in ClinVar:

NM_139027.6(ADAMTS13):c.722del (p.Gly241fs)

Gene: ADAMTS13 (ADAM metallopeptidase with thrombospondin type 1 motif 13; plus strand). Cytogenetic location: 9q34.2.
Variant type: Deletion.
Coding change: c.722del on transcript NM_139027.6 (MANE Select); coding-DNA position 722, one base deleted (G; older notation c.722delG).
Protein change: p.Gly241fs; shifts the reading frame from glycine 241.
Molecular consequence: frameshift variant.
Genome position (GRCh38, 1-based): chr9:133,428,669, G deleted; the last of 2 consecutive G bases (chr9:133,428,668-133,428,669); deleting either gives the same sequence. VCF-style (leftmost placement, unchanged base first): chr9-133428667-CG-C. GRCh37 (hg19) VCF-style: chr9-136293787-CG-C.
Other names: c.721delG (NM_139027.6); c.722del, p.Gly241fs (NM_139025.5, NM_139026.6); short protein forms G241fs.
Identifiers: ClinVar variation 3362787 (VCV003362787.2).

ClinVar aggregate classification (germline): Pathogenic (0 of 4 stars; one submission).

Conditions:
Upshaw-Schulman syndrome (TTP). Also called: THROMBOTIC THROMBOCYTOPENIC PURPURA, HEREDITARY; Congenital thrombotic thrombocytopenic purpura. Identifiers: Orphanet 93583, MedGen C1268935, MONDO:0010122, OMIM 274150.

Submission:

Guangzhou First People’s Hospital, Institute of Blood Transfusion and Hematology,Guangzhou Medical University
Classification: Pathogenic for Upshaw-Schulman syndrome. Last evaluated: 2022-10-13. Review status: no assertion criteria provided. Collection method: clinical testing. Allele origin: germline. Affected: yes.
Comment: The novel compound heterozygous mutation c.2865G>A:p.Trp955X and c.721delG:p.Gly241fs in the ADAMTS13 gene were identified and are predicted to be associated with Hereditary Thrombotic Thrombocytopenic Purpura. The nonsense mutation c.2865G>A contributes to abnormal termination of translation at the 955th amino acid and results in deletion of the TSP6-8 and CUB domains. Unfortunately, an attempt to predict the mutated protein structure with the Swiss Model tool failed. The frameshift mutation c.721delG alters an amino acid and ends translation at the 7th amino acid after the mutation point, which means that the synthesized protein simply includes the signal peptide and propeptide. Even if NMD is not involved, both novel mutations alter the protein structure, and protein function is impaired, promoting the occurrence of disease.